The following is an entry in ClinVar:

ClinVar aggregate classification (germline): Uncertain significance (1 of 4 stars; one submission).

Submission:

Labcorp Genetics (formerly Invitae), Labcorp
Classification: Uncertain significance. Last evaluated: 2024-08-05. Review status: criteria provided, single submitter. Criteria: Invitae Variant Classification Sherloc (09022015). Collection method: clinical testing. Allele origin: germline.
Comment: This sequence change replaces aspartic acid, which is acidic and polar, with glutamic acid, which is acidic and polar, at codon 51 of the SSR4 protein (p.Asp51Glu). This variant is not present in population databases (gnomAD no frequency). This variant has not been reported in the literature in individuals affected with SSR4-related conditions. Experimental studies and prediction algorithms are not available or were not evaluated, and the functional significance of this variant is currently unknown. In summary, the available evidence is currently insufficient to determine the role of this variant in disease. Therefore, it has been classified as a Variant of Uncertain Significance.

NM_006280.3(SSR4):c.120C>G (p.Asp40Glu)

Gene: SSR4 (signal sequence receptor subunit 4; plus strand). Cytogenetic location: Xq28.
Variant type: single nucleotide variant.
Coding change: c.120C>G on transcript NM_006280.3 (MANE Select); coding-DNA position 120, C replaced by G.
Protein change: p.Asp40Glu; replaces aspartic acid 40 with glutamic acid.
Molecular consequence: missense variant.
Genome position (GRCh38, 1-based): chrX:153,796,486, C>G. VCF-style: chrX-153796486-C-G. GRCh37 (hg19) VCF-style: chrX-153061941-C-G.
Other names: c.153C>G, p.Asp51Glu (NM_001204526.2); c.144C>G, p.Asp48Glu (NM_001204527.2); short protein forms D48E, D51E, D40E.
Identifiers: ClinVar variation 2706042 (VCV002706042.3), dbSNP rs139415367, ClinGen allele CA415186161.